The following is an entry in ClinVar:

ClinVar aggregate classification (germline): Uncertain significance. Review status: criteria provided, multiple submitters, no conflicts (2 of 4 stars). 2 submissions from 2 submitters: Uncertain significance (2). Last evaluated 2022-09-24.

Conditions:
Hereditary cancer-predisposing syndrome. Also called: Tumor predisposition; Neoplastic Syndromes, Hereditary; Hereditary neoplastic syndrome; Hereditary Cancer Syndrome. Identifiers: Orphanet 140162, MedGen C0027672, MeSH D009386, MONDO:0015356.
Familial colorectal cancer. Identifiers: MedGen CN280943, MONDO:0023113. Disease mechanism: loss of function.

Allele frequency attached by ClinVar (database versions not stated): gnomAD 0.00001; ExAC 0.00002; gnomAD exomes 0.00002 and 0.00001; TOPMed 0.00001.
gnomAD v4.1: 14 of 1,614,044 alleles (0.00087%); highest among the groups gnomAD compares: African/African-American, 0.0053%; no homozygotes.

Submissions (2):

Ambry Genetics
Classification: Uncertain significance for Hereditary cancer-predisposing syndrome. Last evaluated: 2022-09-24. Review status: criteria provided, single submitter. Criteria: Ambry Variant Classification Scheme 2023. Collection method: clinical testing. Allele origin: germline.
Comment: The p.E1241A variant (also known as c.3722A>C), located in coding exon 30 of the POLE gene, results from an A to C substitution at nucleotide position 3722. The glutamic acid at codon 1241 is replaced by alanine, an amino acid with dissimilar properties. This amino acid position is conserved. In addition, this alteration is predicted to be tolerated by in silico analysis. Since supporting evidence is limited at this time, the clinical significance of this alteration remains unclear.

Mendelics
Classification: Uncertain significance for Familial colorectal cancer. Last evaluated: 2018-07-02. Review status: criteria provided, single submitter. Criteria: Mendelics Assertion Criteria 2017. Collection method: clinical testing. Allele origin: unknown.

NM_006231.4(POLE):c.3722A>C (p.Glu1241Ala)

Gene: POLE (DNA polymerase epsilon, catalytic subunit; minus strand). Cytogenetic location: 12q24.33.
Variant type: single nucleotide variant.
Coding change: c.3722A>C on transcript NM_006231.4 (MANE Select); coding-DNA position 3722, A replaced by C.
Protein change: p.Glu1241Ala; replaces glutamic acid 1241 with alanine.
Molecular consequence: missense variant.
Genome position (GRCh38, 1-based): chr12:132,649,750, T>G on the plus strand (A>C on the coding strand, the complement: POLE is on the minus strand). VCF-style: chr12-132649750-T-G. GRCh37 (hg19) VCF-style: chr12-133226336-T-G.
Other names: short protein forms E1241A.
Identifiers: ClinVar variation 584835 (VCV000584835.4), dbSNP rs755166232, ClinGen allele CA6893131.
Genomic context (GRCh38, chr12:132,649,750, plus strand): 5'-AGGGCGGGAGGCTGCCCCAAGATTTCCTGCCAGGGCACAGTCGGCGTGAGGTCCTGGGAC[T>G]CCTCCTGGCTCTCCCAAAGAACTCGCTTCCTCTTCACAGTGACAGGGGCTGCTGGGTGAG-3'
Protein context (NP_006222.2, residues 1231-1251): RKRVLWESQE[Glu1241Ala]SQDLTPTVPW